The following is an entry in ClinVar:

NM_000168.6(GLI3):c.885del (p.Ile296fs)

Gene: GLI3 (GLI family zinc finger 3; minus strand). Cytogenetic location: 7p14.1.
Variant type: Deletion.
Coding change: c.885del on transcript NM_000168.6 (MANE Select); coding-DNA position 885, one base deleted (C; older notation c.885delC).
Protein change: p.Ile296fs; shifts the reading frame from isoleucine 296.
Molecular consequence: frameshift variant.
Genome position (GRCh38, 1-based): chr7:42,040,181, G deleted on the plus strand (C on the coding strand, the reverse complement: GLI3 is on the minus strand); the first of 2 consecutive G bases (chr7:42,040,181-42,040,182); deleting either gives the same sequence. VCF-style (leftmost placement, unchanged base first): chr7-42040180-TG-T. GRCh37 (hg19) VCF-style: chr7-42079779-TG-T.
Other names: short protein forms I296fs.
Identifiers: ClinVar variation 835724 (VCV000835724.8), dbSNP rs1784103136, ClinGen allele CA916082926.

ClinVar aggregate classification (germline): Pathogenic (1 of 4 stars; one submission).

Conditions:
Pallister-Hall syndrome (PHS). Also called: GLI3-Related Pallister-Hall Syndrome; HYPOTHALAMIC HAMARTOBLASTOMA, HYPOPITUITARISM, IMPERFORATE ANUS, AND POSTAXIAL POLYDACTYLY. Identifiers: Orphanet 672, MedGen C0265220, MONDO:0007804, OMIM 146510.
Greig cephalopolysyndactyly syndrome (GCPS). Also called: POLYSYNDACTYLY WITH PECULIAR SKULL SHAPE; GLI3-Related Greig Cephalopolysyndactyly Syndrome; Greig syndrome. Identifiers: Orphanet 380, MedGen C0265306, MONDO:0008287, OMIM 175700.

Submission:

Labcorp Genetics (formerly Invitae), Labcorp
Classification: Pathogenic for Pallister-Hall syndrome; Greig cephalopolysyndactyly syndrome. Last evaluated: 2019-03-14. Review status: criteria provided, single submitter. Criteria: Invitae Variant Classification Sherloc (09022015). Collection method: clinical testing. Allele origin: germline.
Comment: For these reasons, this variant has been classified as Pathogenic. Loss-of-function variants in GLI3 are known to be pathogenic (PMID: 10441570, 15739154, 18000979, 24736735). This variant has not been reported in the literature in individuals with GLI3-related conditions. This variant is not present in population databases (ExAC no frequency). This sequence change creates a premature translational stop signal (p.Ile296Tyrfs*14) in the GLI3 gene. It is expected to result in an absent or disrupted protein product.

Literature cited by the submitters: PubMed 10441570; PubMed 15739154; PubMed 18000979; PubMed 24736735.